The following is an entry in ClinVar:

ClinVar aggregate classification (germline): Pathogenic (1 of 4 stars; one submission).

Conditions:
Cardiac anomalies - developmental delay - facial dysmorphism syndrome (MRFACD). Also called: MED13L Syndrome; Impaired intellectual development and distinctive facial features with or without cardiac defects. Identifiers: Orphanet 369891, MedGen C5192431, MONDO:0014773, OMIM 616789.

Submission:

Centre for Mendelian Genomics, University Medical Centre Ljubljana
Classification: Pathogenic for Cardiac anomalies - developmental delay - facial dysmorphism syndrome. Last evaluated: 2016-01-01. Review status: criteria provided, single submitter. Criteria: ACMG Guidelines, 2015. Collection method: clinical testing. Allele origin: unknown. Affected: yes.
Comment: This variant was classified as: Pathogenic. The following ACMG criteria were applied in classifying this variant: PVS1,PM2,PM6. This variant arose de novo in at least one reported proband.

NM_015335.5(MED13L):c.4622del (p.Thr1541fs)

Gene: MED13L (mediator complex subunit 13L; minus strand). Cytogenetic location: 12q24.21.
Variant type: Deletion.
Coding change: c.4622del on transcript NM_015335.5 (MANE Select); coding-DNA position 4622, one base deleted (C; older notation c.4622delC).
Protein change: p.Thr1541fs; shifts the reading frame from threonine 1541.
Molecular consequence: frameshift variant.
Genome position (GRCh38, 1-based): chr12:115,983,450, G deleted on the plus strand (C on the coding strand, the reverse complement: MED13L is on the minus strand). VCF-style (leftmost placement, unchanged base first): chr12-115983449-CG-C. GRCh37 (hg19) VCF-style: chr12-116421254-CG-C.
Other names: short protein forms T1541fs.
Identifiers: ClinVar variation 930384 (VCV000930384.3), dbSNP rs1877476585, ClinGen allele CA1139662917.